The following is an entry in ClinVar:

NM_002471.4(MYH6):c.804G>C (p.Leu268=)

Gene: MYH6 (myosin heavy chain 6; minus strand). Cytogenetic location: 14q11.2.
Variant type: single nucleotide variant.
Coding change: c.804G>C on transcript NM_002471.4 (MANE Select); coding-DNA position 804, G replaced by C.
Protein change: p.Leu268=; no amino-acid change (leucine 268 retained).
Molecular consequence: synonymous variant.
Genome position (GRCh38, 1-based): chr14:23,403,442, C>G on the plus strand (G>C on the coding strand, the complement: MYH6 is on the minus strand). VCF-style: chr14-23403442-C-G. GRCh37 (hg19) VCF-style: chr14-23872651-C-G.
Identifiers: ClinVar variation 4845656 (VCV004845656.1).
Genomic context (GRCh38, chr14:23,403,442, plus strand): 5'-GTAGAAGATGTGGTAGTTTCTCTCAGCTTTCAGCTGGAAGATCACCCGGGACTTCTCCAG[C>G]AGGTCTGAGGTGGGTGGAGGGGAGGAAGGCAGGTGAGGAAGGAAAGAGAGTAGAGCCAGA-3'
Protein context (NP_002462.2, residues 258-278): KLASADIETY[Leu268=]LEKSRVIFQL

ClinVar aggregate classification (germline): Likely pathogenic (1 of 4 stars; one submission).

Conditions:
Hypertrophic cardiomyopathy 14. Identifiers: MedGen C2750467, MONDO:0013197, OMIM 613251.

Submission:

Department of Genetics and Genomic Medicine, Zhejiang Provincial People's Hospital
Classification: Likely pathogenic for Hypertrophic cardiomyopathy 14. Last evaluated: 2024-10-18. Review status: criteria provided, single submitter. Criteria: ACMG Guidelines, 2015. Collection method: clinical testing. Allele origin: germline. Inheritance: Autosomal dominant inheritance. Affected: yes. Observed: 3 variant alleles, 3 heterozygotes. Clinical features observed: Hypertrophic cardiomyopathy (HP:0001639).
Comment: This synonymous variant in the MYH6 gene, c.804G>C (p.Leu268=), is classified as Likely Pathogenic based on the ACMG/AMP 2015 guidelines. Evidence supporting this classification includes: (1) PS3_Supporting: In-house minigene assays demonstrate that this synonymous variant causes aberrant splicing, resulting in approximately 6.8% of transcripts exhibiting exon 10 skipping (data not published). (2) PM2_Supporting: The variant is absent from the gnomAD population database, indicating it is not a common benign polymorphism. (3) PP1_Moderate: It co-segregates with hypertrophic cardiomyopathy in 5 affected family members across this pedigree, including the proband. In summary, the functional evidence of a splicing defect, combined with its absence in population controls and strong co-segregation data, meets the criteria for classification as Likely Pathogenic.